The following is an entry in ClinVar:

NM_000388.4(CASR):c.1423G>A (p.Glu475Lys)

Gene: CASR (calcium sensing receptor; plus strand). Cytogenetic location: 3q21.1.
Variant type: single nucleotide variant.
Coding change: c.1423G>A on transcript NM_000388.4 (MANE Select); coding-DNA position 1423, G replaced by A.
Protein change: p.Glu475Lys; replaces glutamic acid 475 with lysine.
Molecular consequence: missense variant.
Genome position (GRCh38, 1-based): chr3:122,275,857, G>A. VCF-style: chr3-122275857-G-A. GRCh37 (hg19) VCF-style: chr3-121994704-G-A.
Other names: c.1423G>A, p.Glu475Lys (NM_001178065.2); short protein forms E475K.
Identifiers: ClinVar variation 662594 (VCV000662594.11), dbSNP rs1406184611, ClinGen allele CA354154951.
Genomic context (GRCh38, chr3:122,275,857, plus strand): 5'-TTTGCTCCTCTTTAGGTCCTGAAGCACCTACGGCATCTAAACTTTACAAACAATATGGGG[G>A]AGCAGGTGACCTTTGATGAGTGTGGTGACCTGGTGGGGAACTATTCCATCATCAACTGGC-3'
Protein context (NP_000379.3, residues 465-485): RHLNFTNNMG[Glu475Lys]QVTFDECGDL

ClinVar aggregate classification (germline): Uncertain significance. Review status: criteria provided, multiple submitters, no conflicts (2 of 4 stars). 2 submissions from 2 submitters: Uncertain significance (2). Last evaluated 2023-02-25.

Conditions:
Familial hypocalciuric hypercalcemia (FHH). Also called: Familial benign hypercalcemia. Identifiers: Orphanet 405, MedGen C1809471, MONDO:0018458.
Autosomal dominant hypocalcemia 1 (HYPOC1). Also called: HYPOCALCEMIA, FAMILIAL. Identifiers: MedGen C3715128, MONDO:0011013, OMIM 601198.
Nephrolithiasis/nephrocalcinosis. Identifiers: MedGen CN580796.

Allele frequency attached by ClinVar (database versions not stated): gnomAD exomes below 0.00001 and 0.00001.
gnomAD v4.1: 4 of 1,614,106 alleles (0.00025%); highest among the groups gnomAD compares: South Asian, 0.0011%; no homozygotes.

Submissions (2):

Labcorp Genetics (formerly Invitae), Labcorp
Classification: Uncertain significance for Familial hypocalciuric hypercalcemia; Autosomal dominant hypocalcemia 1. Last evaluated: 2023-02-25. Review status: criteria provided, single submitter. Criteria: Invitae Variant Classification Sherloc (09022015). Collection method: clinical testing. Allele origin: germline.
Comment: In summary, the available evidence is currently insufficient to determine the role of this variant in disease. Therefore, it has been classified as a Variant of Uncertain Significance. An algorithm developed to predict the effect of missense changes on protein structure and function (PolyPhen-2) suggests that this variant is likely to be disruptive. ClinVar contains an entry for this variant (Variation ID: 662594). This variant has not been reported in the literature in individuals affected with CASR-related conditions. This variant is present in population databases (no rsID available, gnomAD 0.002%). This sequence change replaces glutamic acid, which is acidic and polar, with lysine, which is basic and polar, at codon 475 of the CASR protein (p.Glu475Lys).

Ambry Genetics
Classification: Uncertain significance for Nephrolithiasis/nephrocalcinosis. Last evaluated: 2022-03-29. Review status: criteria provided, single submitter. Criteria: Ambry Variant Classification Scheme 2023. Collection method: clinical testing. Allele origin: germline.
Comment: The p.E475K variant (also known as c.1423G>A), located in coding exon 4 of the CASR gene, results from a G to A substitution at nucleotide position 1423. The glutamic acid at codon 475 is replaced by lysine, an amino acid with similar properties. This amino acid position is conserved. In addition, this alteration is predicted to be deleterious by in silico analysis. Since supporting evidence is limited at this time, the clinical significance of this alteration remains unclear.